The following is an entry in ClinVar:

NM_020778.5(ALPK3):c.1478C>T (p.Thr493Ile)

Gene: ALPK3 (alpha kinase 3; plus strand). Cytogenetic location: 15q25.3.
Variant type: single nucleotide variant.
Coding change: c.1478C>T on transcript NM_020778.5 (MANE Select); coding-DNA position 1478, C replaced by T.
Protein change: p.Thr493Ile; replaces threonine 493 with isoleucine.
Molecular consequence: missense variant.
Genome position (GRCh38, 1-based): chr15:84,840,757, C>T. VCF-style: chr15-84840757-C-T. GRCh37 (hg19) VCF-style: chr15-85383988-C-T.
Other names: c.2084C>T (NM_020778.4); short protein forms T493I.
Identifiers: ClinVar variation 1486214 (VCV001486214.7), dbSNP rs2141557297, ClinGen allele CA393375709.

ClinVar aggregate classification (germline): Uncertain significance. Review status: criteria provided, multiple submitters, no conflicts (2 of 4 stars). 2 submissions from 2 submitters: Uncertain significance (2). Last evaluated 2025-06-16.

Conditions:
Cardiovascular phenotype. Identifiers: MedGen CN230736.

Allele frequency attached by ClinVar (database versions not stated): gnomAD exomes 0.00001.
gnomAD v4.1: 3 of 1,614,110 alleles (0.00019%); highest among the groups gnomAD compares: Non-Finnish European, 0.00025%; no homozygotes.

Submissions (2):

Ambry Genetics
Classification: Uncertain significance for Cardiovascular phenotype. Last evaluated: 2025-06-16. Review status: criteria provided, single submitter. Criteria: Ambry Variant Classification Scheme 2023. Collection method: clinical testing. Allele origin: germline.

Labcorp Genetics (formerly Invitae), Labcorp
Classification: Uncertain significance. Last evaluated: 2021-11-26. Review status: criteria provided, single submitter. Criteria: Invitae Variant Classification Sherloc (09022015). Collection method: clinical testing. Allele origin: germline.
Comment: This sequence change replaces threonine, which is neutral and polar, with isoleucine, which is neutral and non-polar, at codon 695 of the ALPK3 protein (p.Thr695Ile). This variant is not present in population databases (gnomAD no frequency). This variant has not been reported in the literature in individuals affected with ALPK3-related conditions. Algorithms developed to predict the effect of missense changes on protein structure and function (SIFT, PolyPhen-2, Align-GVGD) all suggest that this variant is likely to be tolerated. In summary, the available evidence is currently insufficient to determine the role of this variant in disease. Therefore, it has been classified as a Variant of Uncertain Significance.